The following is an entry in ClinVar:

NM_018127.7(ELAC2):c.2467G>T (p.Val823Phe)

Gene: ELAC2 (elaC ribonuclease Z 2; minus strand). Cytogenetic location: 17p12.
Variant type: single nucleotide variant.
Coding change: c.2467G>T on transcript NM_018127.7 (MANE Select); coding-DNA position 2467, G replaced by T.
Protein change: p.Val823Phe; replaces valine 823 with phenylalanine.
Molecular consequence: missense variant.
Genome position (GRCh38, 1-based): chr17:12,992,832, C>A on the plus strand (G>T on the coding strand, the complement: ELAC2 is on the minus strand). VCF-style: chr17-12992832-C-A. GRCh37 (hg19) VCF-style: chr17-12896149-C-A.
Other names: c.2347G>T, p.Val783Phe (NM_001165962.2); c.2464G>T, p.Val822Phe (NM_173717.2); short protein forms V823F, V822F, V783F.
Identifiers: ClinVar variation 1506248 (VCV001506248.6), dbSNP rs376515152, ClinGen allele CA8400787.

ClinVar aggregate classification (germline): Uncertain significance (1 of 4 stars; one submission).

Conditions:
Combined oxidative phosphorylation defect type 17. Also called: Combined oxidative phosphorylation deficiency 17. Identifiers: Orphanet 369913, MedGen C3809526, MONDO:0014190, OMIM 615440.

Allele frequency attached by ClinVar (database versions not stated): gnomAD exomes 0.00001; ExAC 0.00002; 1000 Genomes Project 0.00020.
gnomAD v4.1: 9 of 1,614,010 alleles (0.00056%); highest among the groups gnomAD compares: African/African-American, 0.0093%; no homozygotes.

Submission:

Labcorp Genetics (formerly Invitae), Labcorp
Classification: Uncertain significance for Combined oxidative phosphorylation defect type 17. Last evaluated: 2023-10-22. Review status: criteria provided, single submitter. Criteria: Invitae Variant Classification Sherloc (09022015). Collection method: clinical testing. Allele origin: germline.
Comment: This sequence change replaces valine, which is neutral and non-polar, with phenylalanine, which is neutral and non-polar, at codon 823 of the ELAC2 protein (p.Val823Phe). This variant is present in population databases (rs376515152, gnomAD 0.01%). This variant has not been reported in the literature in individuals affected with ELAC2-related conditions. ClinVar contains an entry for this variant (Variation ID: 1506248). An algorithm developed to predict the effect of missense changes on protein structure and function (PolyPhen-2) suggests that this variant¬†is likely to be tolerated. Algorithms developed to predict the effect of sequence changes on RNA splicing suggest that this variant may create or strengthen a splice site. In summary, the available evidence is currently insufficient to determine the role of this variant in disease. Therefore, it has been classified as a Variant of Uncertain Significance.